The following is an entry in ClinVar:

ClinVar aggregate classification (germline): Uncertain significance (1 of 4 stars; one submission).

Conditions:
Hereditary cancer-predisposing syndrome. Also called: Neoplastic Syndromes, Hereditary; Tumor predisposition; Hereditary neoplastic syndrome; Hereditary Cancer Syndrome. Identifiers: Orphanet 140162, MedGen C0027672, MeSH D009386, MONDO:0015356.

Submission:

Ambry Genetics
Classification: Uncertain significance for Hereditary cancer-predisposing syndrome. Last evaluated: 2026-08-31. Review status: criteria provided, single submitter. Criteria: Ambry Variant Classification Scheme 2023. Collection method: clinical testing. Allele origin: germline.
Comment: The p.E379Q variant (also known as c.1135G>C), located in coding exon 10 of the NBN gene, results from a G to C substitution at nucleotide position 1135. The glutamic acid at codon 379 is replaced by glutamine, an amino acid with highly similar properties. This amino acid position is conserved. In addition, this alteration is predicted to be tolerated by in silico analysis. Based on the available evidence, the clinical significance of this variant remains unclear.

NM_002485.5(NBN):c.1135G>C (p.Glu379Gln)

Gene: NBN (nibrin; minus strand). Cytogenetic location: 8q21.3.
Variant type: single nucleotide variant.
Coding change: c.1135G>C on transcript NM_002485.5 (MANE Select); coding-DNA position 1135, G replaced by C.
Protein change: p.Glu379Gln; replaces glutamic acid 379 with glutamine.
Molecular consequence: missense variant.
Genome position (GRCh38, 1-based): chr8:89,955,545, C>G on the plus strand (G>C on the coding strand, the complement: NBN is on the minus strand). VCF-style: chr8-89955545-C-G. GRCh37 (hg19) VCF-style: chr8-90967773-C-G.
Other names: c.889G>C, p.Glu297Gln (NM_001024688.3, NM_001440379.1, NM_001440380.1); short protein forms E297Q, E379Q.
Identifiers: ClinVar variation 5025421 (VCV005025421.1).